The following is an entry in ClinVar:

ClinVar aggregate classification (germline): Uncertain significance. Review status: criteria provided, multiple submitters, no conflicts (2 of 4 stars). 2 submissions from 2 submitters: Uncertain significance (2). Last evaluated 2022-08-02.

Conditions:
Inborn genetic diseases. Identifiers: MedGen C0950123, MeSH D030342.

Allele frequency attached by ClinVar (database versions not stated): gnomAD exomes below 0.00001; TOPMed 0.00001.
gnomAD v4.1: 2 of 1,613,838 alleles (0.00012%); highest among the groups gnomAD compares: East Asian, 0.0022%; no homozygotes.

Submissions (2):

Ambry Genetics
Classification: Uncertain significance for Inborn genetic diseases. Last evaluated: 2022-08-02. Review status: criteria provided, single submitter. Criteria: Ambry Variant Classification Scheme 2023. Collection method: clinical testing. Allele origin: germline.

GeneDx
Classification: Uncertain significance. Last evaluated: 2022-03-24. Review status: criteria provided, single submitter. Criteria: GeneDx Variant Classification Process June 2021. Collection method: clinical testing. Allele origin: germline. Affected: yes.
Comment: Not observed at significant frequency in large population cohorts (gnomAD); In silico analysis supports that this missense variant does not alter protein structure/function; Has not been previously published as pathogenic or benign to our knowledge

NM_000124.4(ERCC6):c.3283C>G (p.Pro1095Ala)

Gene: ERCC6 (ERCC excision repair 6, chromatin remodeling factor; minus strand). Cytogenetic location: 10q11.23.
Variant type: single nucleotide variant.
Coding change: c.3283C>G on transcript NM_000124.4 (MANE Select); coding-DNA position 3283, C replaced by G.
Protein change: p.Pro1095Ala; replaces proline 1095 with alanine.
Molecular consequence: missense variant.
Genome position (GRCh38, 1-based): chr10:49,470,677, G>C on the plus strand (C>G on the coding strand, the complement: ERCC6 is on the minus strand). VCF-style: chr10-49470677-G-C. GRCh37 (hg19) VCF-style: chr10-50678723-G-C.
Other names: c.3283C>G, p.Pro1095Ala (NM_001346440.2); short protein forms P1095A.
Identifiers: ClinVar variation 1707166 (VCV001707166.5), dbSNP rs1311535007, ClinGen allele CA376715952.